The following is an entry in ClinVar:

NM_001098816.3(TENM4):c.5016G>C (p.Met1672Ile)

Gene: TENM4 (teneurin transmembrane protein 4; minus strand). Cytogenetic location: 11q14.1.
Variant type: single nucleotide variant.
Coding change: c.5016G>C on transcript NM_001098816.3 (MANE Select); coding-DNA position 5016, G replaced by C.
Protein change: p.Met1672Ile; replaces methionine 1672 with isoleucine.
Molecular consequence: missense variant.
Genome position (GRCh38, 1-based): chr11:78,701,597, C>G on the plus strand (G>C on the coding strand, the complement: TENM4 is on the minus strand). VCF-style: chr11-78701597-C-G. GRCh37 (hg19) VCF-style: chr11-78412642-C-G.
Other names: p.Met1672Ile; short protein forms M1672I.
Identifiers: ClinVar variation 2529704 (VCV002529704.11), dbSNP rs201497367, ClinGen allele CA6206719.

ClinVar aggregate classification (germline): Uncertain significance. Review status: criteria provided, multiple submitters, no conflicts (2 of 4 stars). 3 submissions from 3 submitters: Uncertain significance (3). Last evaluated 2025-07-01.

Allele frequency attached by ClinVar (database versions not stated): TOPMed 0.00020; gnomAD 0.00021; ExAC 0.00030; ESP Exome Variant Server 0.00032.

Submissions (3):

CeGaT Center for Human Genetics Tuebingen
Classification: Uncertain significance. Last evaluated: 2025-07-01. Review status: criteria provided, single submitter. Criteria: CeGaT Center For Human Genetics Tuebingen Variant Classification Criteria Version 2. Collection method: clinical testing. Allele origin: germline. Affected: yes. Observed: 1 variant allele.
Comment: TENM4: PM2:Supporting, BP4

Mayo Clinic Laboratories, Mayo Clinic
Classification: Uncertain significance. Last evaluated: 2023-07-08. Review status: criteria provided, single submitter. Criteria: ACMG Guidelines, 2015. Collection method: clinical testing. Allele origin: germline. Observed: 1 variant allele.
Comment: BP4

Ambry Genetics
Classification: Uncertain significance. Last evaluated: 2023-04-13. Review status: criteria provided, single submitter. Criteria: Ambry Variant Classification Scheme 2023. Collection method: clinical testing. Allele origin: germline.